The following is an entry in ClinVar:

ClinVar aggregate classification (germline): Likely benign. Review status: criteria provided, multiple submitters, no conflicts (2 of 4 stars). 5 submissions from 5 submitters: Likely benign (4). 1 of the submissions does not count toward it. Last evaluated 2026-02-01.

Conditions:
CACNA1C-related disorder. Also called: CACNA1C-related disorders; CACNA1C-related condition. Identifiers: MedGen CN381092, MONDO:0700321.
Cardiovascular phenotype. Identifiers: MedGen CN230736.
Long QT syndrome (LQTS). Identifiers: MedGen C0023976, MeSH D008133, MONDO:0002442. Disease mechanism: loss of function. Inheritance: Various modes of inheritance.

Allele frequency attached by ClinVar (database versions not stated): 1000 Genomes Project 0.00020; gnomAD exomes 0.00003; gnomAD 0.00019 and 0.00016; ExAC 0.00002; 1000 Genomes Project 30x 0.00016; TOPMed 0.00017.
gnomAD v4.1: 79 of 1,613,510 alleles (0.0049%); highest among the groups gnomAD compares: African/African-American, 0.073%; no homozygotes.

Submissions (5):

Labcorp Genetics (formerly Invitae), Labcorp
Classification: Likely benign for Long QT syndrome. Last evaluated: 2026-02-01. Review status: criteria provided, single submitter. Criteria: Invitae Variant Classification Sherloc (09022015). Collection method: clinical testing. Allele origin: germline.

Blueprint Genetics
Classification: Likely benign. Last evaluated: 2023-01-12. Review status: criteria provided, single submitter. Criteria: ACMG Guidelines, 2015. Collection method: clinical testing. Allele origin: germline.

GeneDx
Classification: Likely benign. Last evaluated: 2020-12-14. Review status: criteria provided, single submitter. Criteria: GeneDx Variant Classification Process June 2021. Collection method: clinical testing. Allele origin: germline. Affected: yes.

Ambry Genetics
Classification: Likely benign for Cardiovascular phenotype. Last evaluated: 2018-07-17. Review status: criteria provided, single submitter. Criteria: Ambry Variant Classification Scheme 2023. Collection method: clinical testing. Allele origin: germline.

PreventionGenetics, part of Exact Sciences
Classification: Likely benign for CACNA1C-related condition. Last evaluated: 2020-06-22. Review status: no assertion criteria provided. Collection method: clinical testing. Allele origin: germline. Not counted in ClinVar's aggregate classification.
Comment: This variant is classified as likely benign based on ACMG/AMP sequence variant interpretation guidelines (Richards et al. 2015 PMID: 25741868, with internal and published modifications).

NM_000719.7(CACNA1C):c.4944G>A (p.Ala1648=)

Genes: CACNA1C (calcium voltage-gated channel subunit alpha1 C; plus strand), CACNA1C-AS1 (CACNA1C antisense RNA 1; minus strand). Cytogenetic location: 12p13.33.
Variant type: single nucleotide variant.
Coding change: c.4944G>A on transcript NM_000719.7 (MANE Select); coding-DNA position 4944, G replaced by A.
Protein change: p.Ala1648=; no amino-acid change (alanine 1648 retained).
Molecular consequence: synonymous variant. On other transcripts: non-coding transcript variant (1).
Genome position (GRCh38, 1-based): chr12:2,677,209, G>A. VCF-style: chr12-2677209-G-A. GRCh37 (hg19) VCF-style: chr12-2786375-G-A.
Other names: c.5088G>A, p.Ala1696= (NM_001129827.2, NM_199460.4); c.5067G>A, p.Ala1689= (NM_001129829.2); c.4944G>A, p.Ala1648= (NM_001129830.3, NM_001129840.2, NM_001129841.2 and 4 more transcripts); c.5028G>A, p.Ala1676= (NM_001129831.2); c.5004G>A, p.Ala1668= (NM_001129832.2); c.5001G>A, p.Ala1667= (NM_001129833.2, NM_001129834.2, NM_001129835.2); c.4995G>A, p.Ala1665= (NM_001129836.2); c.4968G>A, p.Ala1656= (NM_001129837.2, NM_001129838.2); and 3 more.
Identifiers: ClinVar variation 385538 (VCV000385538.18), dbSNP rs200330326, ClinGen allele CA6389647.
Genomic context (GRCh38, chr12:2,677,209, plus strand): 5'-CCGGAAGTTCAAGAAGCGCAAAGAGCAGGGCCTTGTGGGCAAGCCCTCCCAGAGGAACGC[G>A]CTGTCTCTGCAGGTGAGGGCCTGGGGGCGGGCCCACACTCCAGGAAGGTCCTGGTCATTG-3'
Protein context (NP_000710.5, residues 1638-1658): GLVGKPSQRN[Ala1648=]LSLQAGLRTL